The following is an entry in ClinVar:

NM_000132.4(F8):c.6952C>T (p.Pro2318Ser)

Gene: F8 (coagulation factor VIII; minus strand). Cytogenetic location: Xq28.
Variant type: single nucleotide variant.
Coding change: c.6952C>T on transcript NM_000132.4 (MANE Select); coding-DNA position 6952, C replaced by T.
Protein change: p.Pro2318Ser; replaces proline 2318 with serine.
Molecular consequence: missense variant.
Genome position (GRCh38, 1-based): chrX:154,837,701, G>A on the plus strand (C>T on the coding strand, the complement: F8 is on the minus strand). VCF-style: chrX-154837701-G-A. GRCh37 (hg19) VCF-style: chrX-154065976-G-A.
Other names: c.547C>T, p.Pro183Ser (NM_019863.3); short protein forms P183S, P2318S.
Identifiers: ClinVar variation 4532176 (VCV004532176.1).

ClinVar aggregate classification (germline): Uncertain significance (1 of 4 stars; one submission).

Conditions:
Hereditary factor VIII deficiency disease (HEMA). Also called: HEMOPHILIA, CLASSIC; AUTOSOMAL HEMOPHILIA A; Hemophilia A; Hemophilia A, congenital; HEM A; Factor 8 deficiency, congenital. Identifiers: Orphanet 98878, MedGen C0019069, MONDO:0010602, OMIM 306700.

gnomAD v4.1: 4 of 1,209,330 alleles (0.00033%); highest among the groups gnomAD compares: Non-Finnish European, 0.00045%; no homozygotes.

Submission:

Victorian Clinical Genetics Services, Murdoch Childrens Research Institute
Classification: Uncertain significance for Hereditary factor VIII deficiency disease. Last evaluated: 2025-10-24. Review status: criteria provided, single submitter. Criteria: ACMG Guidelines, 2015. Collection method: clinical testing. Allele origin: germline. Affected: yes.
Comment: This variant is classified as VUS-3B. Evidence in support of pathogenic classification: Variant is present in gnomAD <0.01 (v4: 2 heterozygote(s), 0 homozygote(s), 2 hemizygote(s)); Another missense variant(s) comparable to the one identified in this case has limited previous evidence for pathogenicity. p.(Pro2318Leu) was reported in an individual presenting with mild haemophila A (PMID: 23913812). Evidence in support of benign classification: Same amino acid change has been observed in placental mammals. Additional information: Variant is predicted to result in a missense amino acid change from Pro to Ser; This variant is heterozygous; This gene is associated with both recessive and dominant disease. X-linked recessive inheritance is associated with haemophilia A (MIM#306700), whereas thrombophilia 13, X-linked, due to factor VIII defect (MIM#301071) has been reported with X-linked dominant inheritance (OMIM, PMID: 33275657); This variant has no previous evidence of pathogenicity; No published evidence of segregation with disease has been identified for this variant; No published functional evidence has been identified for this variant; Variant is located in the annotated F5/8 type C domain (DECIPHER); Loss of function and gain of function are known mechanisms of disease in this gene. Loss of function is associated with haemophilia A (MIM#306700), whereas gain of function due to copy number variations is associated with thrombophilia 13, X-linked, due to factor VIII defect (MIM#301071) (PMIDs: 23403259, 33275657); Inheritance information for this variant is not currently available in this individual.

Literature cited by the submitters: PubMed 23913812; PubMed 33275657; PubMed 23403259.